The following is an entry in ClinVar:

ClinVar aggregate classification (germline): Uncertain significance (1 of 4 stars; one submission).

Conditions:
Gorlin syndrome. Also called: Basal cell nevus syndrome; Nevoid Basal Cell Carcinoma Syndrome. Identifiers: Orphanet 377, MedGen C0004779, MONDO:0007187.

Allele frequency attached by ClinVar (database versions not stated): gnomAD exomes below 0.00001; TOPMed 0.00002; gnomAD 0.00003.

Submission:

Labcorp Genetics (formerly Invitae), Labcorp
Classification: Uncertain significance for Gorlin syndrome. Last evaluated: 2024-09-23. Review status: criteria provided, single submitter. Criteria: Invitae Variant Classification Sherloc (09022015). Collection method: clinical testing. Allele origin: germline.
Comment: This sequence change replaces glutamic acid, which is acidic and polar, with glutamine, which is neutral and polar, at codon 314 of the PTCH2 protein (p.Glu314Gln). This variant is not present in population databases (gnomAD no frequency). This variant has not been reported in the literature in individuals affected with PTCH2-related conditions. Invitae Evidence Modeling of protein sequence and biophysical properties (such as structural, functional, and spatial information, amino acid conservation, physicochemical variation, residue mobility, and thermodynamic stability) indicates that this missense variant is not expected to disrupt PTCH2 protein function with a negative predictive value of 80%. In summary, the available evidence is currently insufficient to determine the role of this variant in disease. Therefore, it has been classified as a Variant of Uncertain Significance.

NM_003738.5(PTCH2):c.940G>C (p.Glu314Gln)

Gene: PTCH2 (patched 2; minus strand). Cytogenetic location: 1p34.1.
Variant type: single nucleotide variant.
Coding change: c.940G>C on transcript NM_003738.5 (MANE Select); coding-DNA position 940, G replaced by C.
Protein change: p.Glu314Gln; replaces glutamic acid 314 with glutamine.
Molecular consequence: missense variant.
Genome position (GRCh38, 1-based): chr1:44,829,757, C>G on the plus strand (G>C on the coding strand, the complement: PTCH2 is on the minus strand). VCF-style: chr1-44829757-C-G. GRCh37 (hg19) VCF-style: chr1-45295429-C-G.
Other names: c.940G>C, p.Glu314Gln (NM_001166292.2); short protein forms E314Q.
Identifiers: ClinVar variation 2917673 (VCV002917673.3), dbSNP rs1330528019, ClinGen allele CA340104928.